The following is an entry in ClinVar:

NM_006231.4(POLE):c.692G>T (p.Arg231Leu)

Gene: POLE (DNA polymerase epsilon, catalytic subunit; minus strand). Cytogenetic location: 12q24.33.
Variant type: single nucleotide variant.
Coding change: c.692G>T on transcript NM_006231.4 (MANE Select); coding-DNA position 692, G replaced by T.
Protein change: p.Arg231Leu; replaces arginine 231 with leucine.
Molecular consequence: missense variant.
Genome position (GRCh38, 1-based): chr12:132,677,606, C>A on the plus strand (G>T on the coding strand, the complement: POLE is on the minus strand). VCF-style: chr12-132677606-C-A. GRCh37 (hg19) VCF-style: chr12-133254192-C-A.
Other names: short protein forms R231L.
Identifiers: ClinVar variation 653816 (VCV000653816.8), dbSNP rs1060500835, ClinGen allele CA387364711.
Genomic context (GRCh38, chr12:132,677,606, plus strand): 5'-TGTGAGCAGCGACCCAACCCTGCCCCACTCACCACGTGGATCTTCAGGTCAATGGAGAGG[C>A]GGATGTGGTAGGGAACATCGTACTCGCGCATGTCCACAATGTTGTCCAACTGGTCAGCTA-3'
Protein context (NP_006222.2, residues 221-241): MREYDVPYHI[Arg231Leu]LSIDLKIHVA

ClinVar aggregate classification (germline): Uncertain significance (1 of 4 stars; one submission).

gnomAD v4.1: 1 of 1,614,164 alleles (0.000062%); highest among the groups gnomAD compares: Non-Finnish European, 0.000085%; no homozygotes.

Submission:

Labcorp Genetics (formerly Invitae), Labcorp
Classification: Uncertain significance. Last evaluated: 2018-12-24. Review status: criteria provided, single submitter. Criteria: Invitae Variant Classification Sherloc (09022015). Collection method: clinical testing. Allele origin: germline.
Comment: This sequence change replaces arginine with leucine at codon 231 of the POLE protein (p.Arg231Leu). The arginine residue is highly conserved and there is a moderate physicochemical difference between arginine and leucine. This variant is not present in population databases (ExAC no frequency). This variant has not been reported in the literature in individuals with POLE-related conditions. Algorithms developed to predict the effect of missense changes on protein structure and function (SIFT, PolyPhen-2, Align-GVGD) all suggest that this variant is likely to be disruptive, but these predictions have not been confirmed by published functional studies and their clinical significance is uncertain. In summary, the available evidence is currently insufficient to determine the role of this variant in disease. Therefore, it has been classified as a Variant of Uncertain Significance.